The following is an entry in ClinVar:

ClinVar aggregate classification (germline): Benign/Likely benign. Review status: criteria provided, multiple submitters, no conflicts (2 of 4 stars). 12 submissions from 12 submitters: Benign (7); Likely benign (5). Last evaluated 2026-09-01.

Conditions:
Inborn genetic diseases. Identifiers: MedGen C0950123, MeSH D030342.
Pitt-Hopkins-like syndrome 2 (PTHSL2). Identifiers: Orphanet 221150, Orphanet 600663, MedGen C3280479, MONDO:0013690, OMIM 614325.

Allele frequency attached by ClinVar (database versions not stated): 1000 Genomes Project 0.00220; gnomAD exomes 0.00506 and 0.00384; 1000 Genomes Project 30x 0.00250; ExAC 0.00392; gnomAD 0.00446 and 0.00458; ESP Exome Variant Server 0.00521; TOPMed 0.00412.
gnomAD v4.1: 8,052 of 1,612,464 alleles (0.5%); highest among the groups gnomAD compares: Non-Finnish European, 0.59%; 31 homozygotes.

Submissions (12):

CeGaT Center for Human Genetics Tuebingen
Classification: Likely benign. Last evaluated: 2026-09-01. Review status: criteria provided, single submitter. Criteria: CeGaT Center For Human Genetics Tuebingen Variant Classification Criteria Version 2. Collection method: clinical testing. Allele origin: germline. Affected: yes. Observed: 36 variant alleles.
Comment: NRXN1: BS2

Labcorp Genetics (formerly Invitae), Labcorp
Classification: Likely benign for Pitt-Hopkins-like syndrome 2. Last evaluated: 2026-02-02. Review status: criteria provided, single submitter. Criteria: Invitae Variant Classification Sherloc (09022015). Collection method: clinical testing. Allele origin: germline.

ARUP Laboratories, Molecular Genetics and Genomics, ARUP Laboratories
Classification: Benign. Last evaluated: 2025-03-26. Review status: criteria provided, single submitter. Criteria: ARUP Molecular Germline Variant Investigation Process 2024. Collection method: clinical testing. Allele origin: germline.

Blueprint Genetics
Classification: Likely benign. Last evaluated: 2024-11-18. Review status: criteria provided, single submitter. Criteria: ACMG Guidelines, 2015. Collection method: clinical testing. Allele origin: germline.

Ambry Genetics
Classification: Likely benign for Inborn genetic diseases. Last evaluated: 2021-09-22. Review status: criteria provided, single submitter. Criteria: Ambry Variant Classification Scheme 2023. Collection method: clinical testing. Allele origin: germline.

GeneDx
Classification: Benign. Last evaluated: 2019-04-30. Review status: criteria provided, single submitter. Criteria: GeneDx Variant Classification Process June 2021. Collection method: clinical testing. Allele origin: germline. Affected: yes.
Comment: This variant is associated with the following publications: (PMID: 23769996, 28289584, 18179900, 21288692, 18728070, 23935565)

Mayo Clinic Laboratories, Mayo Clinic
Classification: Benign. Last evaluated: 2019-03-05. Review status: criteria provided, single submitter. Criteria: ACMG Guidelines, 2015. Collection method: clinical testing. Allele origin: germline. Observed: 6 variant alleles.

Athena Diagnostics
Classification: Benign. Last evaluated: 2017-12-30. Review status: criteria provided, single submitter. Criteria: Athena Diagnostics Criteria. Collection method: clinical testing. Allele origin: germline.

Illumina Laboratory Services, Illumina
Classification: Likely benign for Pitt-Hopkins-like syndrome 2. Last evaluated: 2017-04-27. Review status: criteria provided, single submitter. Criteria: ICSL Variant Classification Criteria 13 December 2019. Collection method: clinical testing. Allele origin: germline.
Comment: This variant was observed as part of a predisposition screen in an ostensibly healthy population. A literature search was performed for the gene, cDNA change, and amino acid change (where applicable). No publications were found based on this search. Allele frequency data from public databases allowed determination this variant is unlikely to cause disease. Therefore, this variant is classified as likely benign.

Center for Pediatric Genomic Medicine, Children's Mercy Hospital and Clinics
Classification: Benign. Last evaluated: 2016-07-13. Review status: criteria provided, single submitter. Criteria: ACMG Guidelines, 2015. Collection method: clinical testing. Allele origin: germline.

Genetic Services Laboratory, University of Chicago
Classification: Benign. Last evaluated: 2015-02-23. Review status: criteria provided, single submitter. Criteria: ACMG Guidelines, 2015. Collection method: clinical testing. Allele origin: germline.

Eurofins Ntd Llc (ga)
Classification: Benign. Last evaluated: 2012-07-25. Review status: criteria provided, single submitter. Criteria: EGL Classification Definitions 2015. Collection method: clinical testing. Allele origin: germline. Observed: 2 variant alleles, 2 heterozygotes.

Literature cited by the submitters: PubMed 28289584 (cited by Athena Diagnostics); PubMed 18179900 (cited by Athena Diagnostics); PubMed 21288692 (cited by Athena Diagnostics).

NM_001330078.2(NRXN1):c.2122C>A (p.Leu708Ile)

Gene: NRXN1 (neurexin 1; minus strand). Cytogenetic location: 2p16.3.
Variant type: single nucleotide variant.
Coding change: c.2122C>A on transcript NM_001330078.2 (MANE Select); coding-DNA position 2122, C replaced by A.
Protein change: p.Leu708Ile; replaces leucine 708 with isoleucine.
Molecular consequence: missense variant.
Genome position (GRCh38, 1-based): chr2:50,538,274, G>T on the plus strand (C>A on the coding strand, the complement: NRXN1 is on the minus strand). VCF-style: chr2-50538274-G-T. GRCh37 (hg19) VCF-style: chr2-50765412-G-T.
Other names: p.L748I:CTT>ATT; c.2242C>A, p.Leu748Ile (NM_001135659.3); c.2098C>A, p.Leu700Ile (NM_001330077.2, NM_001330082.2, NM_001330095.2); c.2083C>A, p.Leu695Ile (NM_001330083.2, NM_001330084.2); c.2122C>A, p.Leu708Ile (NM_001330085.2, NM_001330086.2, NM_004801.6); c.2038C>A, p.Leu680Ile (NM_001330087.2, NM_001330096.2); c.2068C>A, p.Leu690Ile (NM_001330088.2); c.2119C>A, p.Leu707Ile (NM_001330093.2); and 2 more; short protein forms L748I, L707I, L695I, L700I, L690I, L708I, L680I, L704I.
Identifiers: ClinVar variation 93589 (VCV000093589.68), dbSNP rs56086732, ClinGen allele CA285441.